The following is an entry in ClinVar:

ClinVar aggregate classification (germline): Pathogenic/Likely pathogenic. Review status: criteria provided, multiple submitters, no conflicts (2 of 4 stars). 3 submissions from 3 submitters: Pathogenic (1); Likely pathogenic (2). Last evaluated 2024-09-04.

Conditions:
Combined malonic and methylmalonic acidemia. Identifiers: Orphanet 289504, MedGen C3280314, MONDO:0013661, OMIM 614265.

Submissions (3):

Natera, Inc.
Classification: Likely pathogenic for Combined malonic and methylmalonic aciduria. Last evaluated: 2024-09-04. Review status: criteria provided, single submitter. Criteria: Natera Variant Classification Schema (03/2026). Collection method: clinical testing. Allele origin: germline.
Comment: The c.1003delC variant in ACSF3 is a frameshift variant predicted to shift the reading frame beginning at codon 335 and leads to a stop codon 23 codons downstream. This variant is expected to result in nonsense mediated decay, truncation, or a dysfunctional protein product. This variant is rare in the general population with a frequency below the threshold expected for the associated phenotype(s). Given the available evidence, this variant is classified as Likely Pathogenic.

Labcorp Genetics (formerly Invitae), Labcorp
Classification: Pathogenic for Combined malonic and methylmalonic acidemia. Last evaluated: 2023-10-25. Review status: criteria provided, single submitter. Criteria: Invitae Variant Classification Sherloc (09022015). Collection method: clinical testing. Allele origin: germline.
Comment: This sequence change creates a premature translational stop signal (p.Leu335Cysfs*23) in the ACSF3 gene. It is expected to result in an absent or disrupted protein product. Loss-of-function variants in ACSF3 are known to be pathogenic (PMID: 21841779, 26827111). This variant is not present in population databases (gnomAD no frequency). This variant has not been reported in the literature in individuals affected with ACSF3-related conditions. ClinVar contains an entry for this variant (Variation ID: 1426657). For these reasons, this variant has been classified as Pathogenic.

Baylor Genetics
Classification: Likely pathogenic for Combined malonic and methylmalonic acidemia. Last evaluated: 2023-01-05. Review status: criteria provided, single submitter. Criteria: ACMG Guidelines, 2015. Collection method: clinical testing. Allele origin: unknown.

Literature cited by the submitters: PubMed 21841779 (cited by Labcorp Genetics (formerly Invitae), Labcorp); PubMed 26827111 (cited by Labcorp Genetics (formerly Invitae), Labcorp).

NM_001243279.3(ACSF3):c.1003del (p.Leu335fs)

Genes: ACSF3 (acyl-CoA synthetase family member 3; plus strand), LOC125177393 (P300/CBP strongly-dependent group 1 enhancer GRCh37_chr16:89180375-89181574; plus strand). Cytogenetic location: 16q24.3.
Variant type: Deletion.
Coding change: c.1003del on transcript NM_001243279.3 (MANE Select); coding-DNA position 1003, one base deleted (C; older notation c.1003delC).
Protein change: p.Leu335fs; shifts the reading frame from leucine 335.
Molecular consequence: frameshift variant. On other transcripts: non-coding transcript variant (2).
Genome position (GRCh38, 1-based): chr16:89,114,364, C deleted; the last of 3 consecutive C bases (chr16:89,114,362-89,114,364); deleting any one gives the same sequence. VCF-style (leftmost placement, unchanged base first): chr16-89114361-GC-G. GRCh37 (hg19) VCF-style: chr16-89180769-GC-G.
Other names: c.1003del, p.Leu335fs (NM_001127214.4, NM_174917.5); c.208del, p.Leu70fs (NM_001284316.2); c.1003delC (NM_174917.4); short protein forms L335fs, L70fs.
Identifiers: ClinVar variation 1426657 (VCV001426657.8), dbSNP rs2151453936, ClinGen allele CA2573152758.